The following is an entry in ClinVar:

NM_003630.3(PEX3):c.158G>A (p.Arg53Gln)

Gene: PEX3 (peroxisomal biogenesis factor 3; plus strand). Cytogenetic location: 6q24.2.
Variant type: single nucleotide variant.
Coding change: c.158G>A on transcript NM_003630.3 (MANE Select); coding-DNA position 158, G replaced by A.
Protein change: p.Arg53Gln; replaces arginine 53 with glutamine.
Molecular consequence: missense variant.
Genome position (GRCh38, 1-based): chr6:143,459,169, G>A. VCF-style: chr6-143459169-G-A. GRCh37 (hg19) VCF-style: chr6-143780306-G-A.
Other names: short protein forms R53Q.
Identifiers: ClinVar variation 849251 (VCV000849251.7), dbSNP rs747114817, ClinGen allele CA365905280.

ClinVar aggregate classification (germline): Uncertain significance (1 of 4 stars; one submission).

Allele frequency attached by ClinVar (database versions not stated): TOPMed 0.00001.

Submission:

Labcorp Genetics (formerly Invitae), Labcorp
Classification: Uncertain significance. Last evaluated: 2023-10-03. Review status: criteria provided, single submitter. Criteria: Invitae Variant Classification Sherloc (09022015). Collection method: clinical testing. Allele origin: germline.
Comment: This sequence change replaces arginine, which is basic and polar, with glutamine, which is neutral and polar, at codon 53 of the PEX3 protein (p.Arg53Gln). This variant is not present in population databases (gnomAD no frequency). This variant has not been reported in the literature in individuals affected with PEX3-related conditions. ClinVar contains an entry for this variant (Variation ID: 849251). Advanced modeling of protein sequence and biophysical properties (such as structural, functional, and spatial information, amino acid conservation, physicochemical variation, residue mobility, and thermodynamic stability) performed at Invitae indicates that this missense variant is expected to disrupt PEX3 protein function. In summary, the available evidence is currently insufficient to determine the role of this variant in disease. Therefore, it has been classified as a Variant of Uncertain Significance.